The following is an entry in ClinVar:

NM_000077.5(CDKN2A):c.77A>C (p.Glu26Ala)

Gene: CDKN2A (cyclin dependent kinase inhibitor 2A; minus strand). Cytogenetic location: 9p21.3.
Variant type: single nucleotide variant.
Coding change: c.77A>C on transcript NM_000077.5; coding-DNA position 77, A replaced by C.
Protein change: p.Glu26Ala; replaces glutamic acid 26 with alanine.
Molecular consequence: missense variant (on NM_000077.6). On other transcripts: intron variant (2).
Genome position (GRCh38, 1-based): chr9:21,974,751, T>G on the plus strand (A>C on the coding strand, the complement: CDKN2A is on the minus strand). VCF-style: chr9-21974751-T-G. GRCh37 (hg19) VCF-style: chr9-21974750-T-G.
Other names: c.77A>C, p.Glu26Ala (NM_000077.6, NM_001195132.2, NM_058197.5); c.-3-3543A>C (NM_001363763.2); c.194-3543A>C (NM_058195.4); short protein forms E26A.
Identifiers: ClinVar variation 2748212 (VCV002748212.3), dbSNP rs1457675338, ClinGen allele CA373086605.

ClinVar aggregate classification (germline): Uncertain significance (1 of 4 stars; one submission).

Conditions:
Familial melanoma. Also called: Hereditary melanoma; Hereditary cutaneous melanoma. Identifiers: Orphanet 618, MedGen C1512419, MONDO:0018961.

Submission:

Labcorp Genetics (formerly Invitae), Labcorp
Classification: Uncertain significance for Familial melanoma. Last evaluated: 2023-07-29. Review status: criteria provided, single submitter. Criteria: Invitae Variant Classification Sherloc (09022015). Collection method: clinical testing. Allele origin: germline.
Comment: In summary, the available evidence is currently insufficient to determine the role of this variant in disease. Therefore, it has been classified as a Variant of Uncertain Significance. An algorithm developed to predict the effect of missense changes on protein structure and function (PolyPhen-2) suggests that this variant is likely to be tolerated. This variant has not been reported in the literature in individuals affected with CDKN2A (p16INK4a)-related conditions. This variant is not present in population databases (gnomAD no frequency). This sequence change replaces glutamic acid, which is acidic and polar, with alanine, which is neutral and non-polar, at codon 26 of the CDKN2A (p16INK4a) protein (p.Glu26Ala).